The following is an entry in ClinVar:

NM_001378789.1(CERS3):c.662del (p.Phe221fs)

Gene: CERS3 (ceramide synthase 3; minus strand). Cytogenetic location: 15q26.3.
Variant type: Deletion.
Coding change: c.662del on transcript NM_001378789.1 (MANE Select); coding-DNA position 662, one base deleted (T; older notation c.662delT).
Protein change: p.Phe221fs; shifts the reading frame from phenylalanine 221.
Molecular consequence: frameshift variant.
Genome position (GRCh38, 1-based): chr15:100,473,000, A deleted on the plus strand (T on the coding strand, the reverse complement: CERS3 is on the minus strand); the first of 2 consecutive A bases (chr15:100,473,000-100,473,001); deleting either gives the same sequence. VCF-style (leftmost placement, unchanged base first): chr15-100472999-GA-G. GRCh37 (hg19) VCF-style: chr15-101013204-GA-G.
Other names: c.695del, p.Phe232fs (NM_001290341.2); c.662del, p.Phe221fs (NM_001290342.2, NM_001290343.2, NM_178842.5); short protein forms F221fs, F232fs.
Identifiers: ClinVar variation 1996888 (VCV001996888.4), dbSNP rs2549116288, ClinGen allele CA2580089771.

ClinVar aggregate classification (germline): Pathogenic (1 of 4 stars; one submission).

Submission:

Labcorp Genetics (formerly Invitae), Labcorp
Classification: Pathogenic. Last evaluated: 2025-07-21. Review status: criteria provided, single submitter. Criteria: Invitae Variant Classification Sherloc (09022015). Collection method: clinical testing. Allele origin: germline.
Comment: This sequence change creates a premature translational stop signal (p.Phe221Serfs*14) in the CERS3 gene. It is expected to result in an absent or disrupted protein product. Loss-of-function variants in CERS3 are known to be pathogenic (PMID: 23754960, 28875980, 30578701). This variant is not present in population databases (gnomAD no frequency). This variant has not been reported in the literature in individuals affected with CERS3-related conditions. ClinVar contains an entry for this variant (Variation ID: 1996888). For these reasons, this variant has been classified as Pathogenic.

Literature cited by the submitters: PubMed 23754960; PubMed 28875980; PubMed 30578701.